The following is an entry in ClinVar:

ClinVar aggregate classification (germline): Benign/Likely benign. Review status: criteria provided, multiple submitters, no conflicts (2 of 4 stars). 2 submissions from 2 submitters: Benign (1); Likely benign (1). Last evaluated 2018-01-13.

Conditions:
Qualitative or quantitative defects of delta-sarcoglycan. Identifiers: Orphanet 207070, MedGen C5680806, MONDO:0016144.

Allele frequency attached by ClinVar (database versions not stated): gnomAD 0.08345 and 0.08563; gnomAD exomes 0.08696; TOPMed 0.09314; 1000 Genomes Project 0.09884; 1000 Genomes Project 30x 0.10212.
gnomAD v4.1: 12,651 of 152,126 alleles (8.3%); highest among the groups gnomAD compares: African/African-American, 19%; 875 homozygotes.

Submissions (2):

Illumina Laboratory Services, Illumina
Classification: Benign for Qualitative or quantitative defects of delta-sarcoglycan. Last evaluated: 2018-01-13. Review status: criteria provided, single submitter. Criteria: ICSL Variant Classification Criteria 13 December 2019. Collection method: clinical testing. Allele origin: germline.
Comment: This variant was observed in the ICSL laboratory as part of a predisposition screen in an ostensibly healthy population. It had not been previously curated by ICSL or reported in the Human Gene Mutation Database (HGMD: prior to June 1st, 2018), and was therefore a candidate for classification through an automated scoring system. Utilizing variant allele frequency, disease prevalence and penetrance estimates, and inheritance mode, an automated score was calculated to assess if this variant is too frequent to cause the disease. Based on the score and internal cut-off values, a variant classified as benign is not then subjected to further curation. The score for this variant resulted in a classification of benign for this disease.

Breakthrough Genomics
Classification: Likely benign. Review status: criteria provided, single submitter. Criteria: ACMG Guidelines, 2015. Collection method: not provided. Allele origin: germline. Inheritance: Autosomal recessive inheritance. Affected: yes.

NM_000337.6(SGCD):c.*360A>G

Gene: SGCD (sarcoglycan delta; plus strand). Cytogenetic location: 5q33.3.
Variant type: single nucleotide variant.
Coding change: c.*360A>G on transcript NM_000337.6 (MANE Select); 360 bases downstream of the stop codon, A replaced by G.
Molecular consequence: 3 prime UTR variant.
Genome position (GRCh38, 1-based): chr5:156,759,750, A>G. VCF-style: chr5-156759750-A-G. GRCh37 (hg19) VCF-style: chr5-156186761-A-G.
Other names: c.*360A>G (NM_001128209.2).
Identifiers: ClinVar variation 352341 (VCV000352341.7), dbSNP rs72803040, ClinGen allele CA10623673.